The following is an entry in ClinVar:

NM_001035.3(RYR2):c.10348A>C (p.Lys3450Gln)

Gene: RYR2 (ryanodine receptor 2; plus strand). Cytogenetic location: 1q43.
Variant type: single nucleotide variant.
Coding change: c.10348A>C on transcript NM_001035.3 (MANE Select); coding-DNA position 10348, A replaced by C.
Protein change: p.Lys3450Gln; replaces lysine 3450 with glutamine.
Molecular consequence: missense variant.
Genome position (GRCh38, 1-based): chr1:237,717,222, A>C. VCF-style: chr1-237717222-A-C. GRCh37 (hg19) VCF-style: chr1-237880522-A-C.
Other names: short protein forms K3450Q.
Identifiers: ClinVar variation 2749297 (VCV002749297.3), dbSNP rs2547451619, ClinGen allele CA345414199.

ClinVar aggregate classification (germline): Uncertain significance (1 of 4 stars; one submission).

Conditions:
Catecholaminergic polymorphic ventricular tachycardia 1. Also called: VENTRICULAR TACHYCARDIA, STRESS-INDUCED POLYMORPHIC 1; VENTRICULAR TACHYCARDIA, CATECHOLAMINERGIC POLYMORPHIC, 1, WITH OR WITHOUT ATRIAL DYSFUNCTION AND/OR DILATED CARDIOMYOPATHY; RYR2-Related Catecholaminergic Polymorphic Ventricular Tachycardia. Identifiers: Orphanet 3286, MedGen C1631597, MONDO:0011484, OMIM 604772.

Submission:

Labcorp Genetics (formerly Invitae), Labcorp
Classification: Uncertain significance for Catecholaminergic polymorphic ventricular tachycardia 1. Last evaluated: 2023-08-02. Review status: criteria provided, single submitter. Criteria: Invitae Variant Classification Sherloc (09022015). Collection method: clinical testing. Allele origin: germline.
Comment: This variant is not present in population databases (gnomAD no frequency). This sequence change replaces lysine, which is basic and polar, with glutamine, which is neutral and polar, at codon 3450 of the RYR2 protein (p.Lys3450Gln). In summary, the available evidence is currently insufficient to determine the role of this variant in disease. Therefore, it has been classified as a Variant of Uncertain Significance. This variant has not been reported in the literature in individuals affected with RYR2-related conditions. Advanced modeling of protein sequence and biophysical properties (such as structural, functional, and spatial information, amino acid conservation, physicochemical variation, residue mobility, and thermodynamic stability) has been performed at Invitae for this missense variant, however the output from this modeling did not meet the statistical confidence thresholds required to predict the impact of this variant on RYR2 protein function.